The following is an entry in ClinVar:

ClinVar aggregate classification (germline): Conflicting classifications of pathogenicity. Review status: criteria provided, conflicting classifications (1 of 4 stars). 3 submissions from 3 submitters: Likely pathogenic (1); Uncertain significance (2). Last evaluated 2026-09-10.

Allele frequency attached by ClinVar (database versions not stated): gnomAD exomes below 0.00001.
gnomAD v4.1: 2 of 1,614,140 alleles (0.00012%); highest among the groups gnomAD compares: Non-Finnish European, 0.00017%; no homozygotes.

Submissions (3):

GeneDx
Classification: Likely pathogenic. Last evaluated: 2026-09-10. Review status: criteria provided, single submitter. Criteria: GeneDx Variant Classification Process June 2021. Collection method: clinical testing. Allele origin: germline.
Comment: Not observed at significant frequency in large population cohorts (gnomAD); In silico analysis supports that this missense variant has a deleterious effect on protein structure/function; Has not been previously published as pathogenic or benign to our knowledge

Dasa
Classification: Uncertain significance. Last evaluated: 2025-07-09. Review status: criteria provided, single submitter. Criteria: DASA Assertion Criteria. Collection method: clinical testing. Allele origin: germline.
Comment: NM_001005273.3(CHD3):c.1747C>T (p.Arg583Trp) is a missense variant that results in the substitution of arginine with tryptophan. This variant is rare in population databases. Computational prediction algorithms are consistent with a benign effect. The currently available literature and clinical evidence are not sufficient to establish a definitive association between this variant and the reported condition. Therefore, this variant is classified as a variant of uncertain significance.

Labcorp Genetics (formerly Invitae), Labcorp
Classification: Uncertain significance. Last evaluated: 2023-09-28. Review status: criteria provided, single submitter. Criteria: Invitae Variant Classification Sherloc (09022015). Collection method: clinical testing. Allele origin: germline.
Comment: This sequence change replaces arginine, which is basic and polar, with tryptophan, which is neutral and slightly polar, at codon 642 of the CHD3 protein (p.Arg642Trp). This variant is not present in population databases (gnomAD no frequency). This variant has not been reported in the literature in individuals affected with CHD3-related conditions. Advanced modeling of protein sequence and biophysical properties (such as structural, functional, and spatial information, amino acid conservation, physicochemical variation, residue mobility, and thermodynamic stability) performed at Invitae indicates that this missense variant is expected to disrupt CHD3 protein function. In summary, the available evidence is currently insufficient to determine the role of this variant in disease. Therefore, it has been classified as a Variant of Uncertain Significance.

NM_001005273.3(CHD3):c.1747C>T (p.Arg583Trp)

Gene: CHD3 (chromodomain helicase DNA binding protein 3; plus strand). Cytogenetic location: 17p13.1.
Variant type: single nucleotide variant.
Coding change: c.1747C>T on transcript NM_001005273.3 (MANE Select); coding-DNA position 1747, C replaced by T.
Protein change: p.Arg583Trp; replaces arginine 583 with tryptophan.
Molecular consequence: missense variant.
Genome position (GRCh38, 1-based): chr17:7,897,122, C>T. VCF-style: chr17-7897122-C-T. GRCh37 (hg19) VCF-style: chr17-7800440-C-T.
Other names: c.1924C>T (NM_001005271.2); c.1924C>T, p.Arg642Trp (NM_001005271.3); c.1747C>T, p.Arg583Trp (NM_005852.4); short protein forms R583W, R642W.
Identifiers: ClinVar variation 2763779 (VCV002763779.7), dbSNP rs1969780942, ClinGen allele CA397934724.